The following is an entry in ClinVar:

NM_000075.4(CDK4):c.523-37_523-17del

Gene: CDK4 (cyclin dependent kinase 4; minus strand). Cytogenetic location: 12q14.1.
Variant type: Deletion.
Coding change: c.523-37_523-17del on transcript NM_000075.4 (MANE Select); 37 bases into the intron before coding-DNA position 523 through 17 bases into the intron before coding-DNA position 523, 21 bases deleted (CCATGGGGTCCCCATCCATTC).
Molecular consequence: intron variant.
Genome position (GRCh38, 1-based): chr12:57,750,782-57,750,802, GAATGGATGGGGACCCCATGG deleted on the plus strand (CCATGGGGTCCCCATCCATTC on the coding strand, the reverse complement: CDK4 is on the minus strand); deleting any 21 consecutive bases within chr12:57,750,782-57,750,803 gives the same sequence; the c. name uses the placement nearest the transcript's 3' end. VCF-style (leftmost placement, unchanged base first): chr12-57750781-AGAATGGATGGGGACCCCATGG-A. GRCh37 (hg19) VCF-style: chr12-58144564-AGAATGGATGGGGACCCCATGG-A.
Identifiers: ClinVar variation 3656219 (VCV003656219.2).

ClinVar aggregate classification (germline): Uncertain significance (1 of 4 stars; one submission).

Conditions:
Familial melanoma. Also called: Hereditary melanoma; Hereditary cutaneous melanoma. Identifiers: Orphanet 618, MedGen C1512419, MONDO:0018961.

Submission:

Labcorp Genetics (formerly Invitae), Labcorp
Classification: Uncertain significance for Familial melanoma. Last evaluated: 2024-06-11. Review status: criteria provided, single submitter. Criteria: Invitae Variant Classification Sherloc (09022015). Collection method: clinical testing. Allele origin: germline.
Comment: This sequence change falls in intron 4 of the CDK4 gene. It does not directly change the encoded amino acid sequence of the CDK4 protein. This variant is not present in population databases (gnomAD no frequency). This variant has not been reported in the literature in individuals affected with CDK4-related conditions. Experimental studies and prediction algorithms are not available or were not evaluated, and the effect of this variant on mRNA splicing is currently unknown. In summary, the available evidence is currently insufficient to determine the role of this variant in disease. Therefore, it has been classified as a Variant of Uncertain Significance.